The following is an entry in ClinVar:

ClinVar aggregate classification (germline): Likely benign. Review status: criteria provided, multiple submitters, no conflicts (2 of 4 stars). 5 submissions from 5 submitters: Likely benign (5). Last evaluated 2026-05-18.

Conditions:
Cardiovascular phenotype. Identifiers: MedGen CN230736.

Allele frequency attached by ClinVar (database versions not stated): gnomAD 0.00003; ExAC 0.00004; TOPMed 0.00005.
gnomAD v4.1: 74 of 1,613,026 alleles (0.0046%); highest among the groups gnomAD compares: Admixed American, 0.005%; no homozygotes.

Submissions (5):

Women's Health and Genetics/Laboratory Corporation of America, LabCorp
Classification: Likely benign. Last evaluated: 2026-05-18. Review status: criteria provided, single submitter. Criteria: LabCorp Variant Classification Summary - May 2015. Collection method: clinical testing. Allele origin: germline.

Labcorp Genetics (formerly Invitae), Labcorp
Classification: Likely benign. Last evaluated: 2026-01-03. Review status: criteria provided, single submitter. Criteria: Invitae Variant Classification Sherloc (09022015). Collection method: clinical testing. Allele origin: germline.

CeGaT Center for Human Genetics Tuebingen
Classification: Likely benign. Last evaluated: 2025-08-01. Review status: criteria provided, single submitter. Criteria: CeGaT Center For Human Genetics Tuebingen Variant Classification Criteria Version 2. Collection method: clinical testing. Allele origin: germline. Affected: yes. Observed: 2 variant alleles.
Comment: TNXB: BP4, BP7

Ambry Genetics
Classification: Likely benign for Cardiovascular phenotype. Last evaluated: 2022-08-27. Review status: criteria provided, single submitter. Criteria: Ambry Variant Classification Scheme 2023. Collection method: clinical testing. Allele origin: germline.

GeneDx
Classification: Likely benign. Last evaluated: 2020-06-08. Review status: criteria provided, single submitter. Criteria: GeneDx Variant Classification Process June 2021. Collection method: clinical testing. Allele origin: germline. Affected: yes.

NM_001365276.2(TNXB):c.8301C>T (p.Thr2767=)

Gene: TNXB (tenascin XB; minus strand). Cytogenetic location: 6p21.33.
Variant type: single nucleotide variant.
Coding change: c.8301C>T on transcript NM_001365276.2 (MANE Select); coding-DNA position 8301, C replaced by T.
Protein change: p.Thr2767=; no amino-acid change (threonine 2767 retained).
Molecular consequence: synonymous variant.
Genome position (GRCh38, 1-based): chr6:32,056,017, G>A on the plus strand (C>T on the coding strand, the complement: TNXB is on the minus strand). VCF-style: chr6-32056017-G-A. GRCh37 (hg19) VCF-style: chr6-32023794-G-A.
Other names: c.8301C>T, p.Thr2767= (NM_019105.8).
Identifiers: ClinVar variation 425371 (VCV000425371.50), dbSNP rs760906844, ClinGen allele CA3733894.